The following is an entry in ClinVar:

NM_001458.5(FLNC):c.1903C>T (p.Pro635Ser)

Gene: FLNC (filamin C; plus strand). Cytogenetic location: 7q32.1.
Variant type: single nucleotide variant.
Coding change: c.1903C>T on transcript NM_001458.5 (MANE Select); coding-DNA position 1903, C replaced by T.
Protein change: p.Pro635Ser; replaces proline 635 with serine.
Molecular consequence: missense variant.
Genome position (GRCh38, 1-based): chr7:128,841,259, C>T. VCF-style: chr7-128841259-C-T. GRCh37 (hg19) VCF-style: chr7-128481313-C-T.
Other names: c.1903C>T, p.Pro635Ser (NM_001127487.2); short protein forms P635S.
Identifiers: ClinVar variation 2147268 (VCV002147268.6), dbSNP rs1191397398, ClinGen allele CA369227329.

ClinVar aggregate classification (germline): Uncertain significance. Review status: criteria provided, multiple submitters, no conflicts (2 of 4 stars). 3 submissions from 3 submitters: Uncertain significance (3). Last evaluated 2026-03-31.

Conditions:
Cardiovascular phenotype. Identifiers: MedGen CN230736.
Distal myopathy with posterior leg and anterior hand involvement. Also called: WILLIAMS DISTAL MYOPATHY. Identifiers: Orphanet 63273, MedGen C3279722, MONDO:0013550, OMIM 614065.
Hypertrophic cardiomyopathy 26. Also called: Cardiomyopathy, familial hypertrophic, 26. Identifiers: Orphanet 75249, MedGen C4310749, MONDO:0014883, OMIM 617047.
Myofibrillar myopathy 5. Also called: FILAMINOPATHY, AUTOSOMAL DOMINANT; Filaminopathy (type). Identifiers: Orphanet 171445, MedGen C1836050, MONDO:0012289, OMIM 609524.

Allele frequency attached by ClinVar (database versions not stated): gnomAD 0.00001.
gnomAD v4.1: 4 of 1,613,958 alleles (0.00025%); highest among the groups gnomAD compares: Non-Finnish European, 0.00034%; no homozygotes.

Submissions (3):

GeneDx
Classification: Uncertain significance. Last evaluated: 2026-03-31. Review status: criteria provided, single submitter. Criteria: GeneDx Variant Classification Process June 2021. Collection method: clinical testing. Allele origin: germline.
Comment: Not observed at significant frequency in large population cohorts (gnomAD); In silico analysis supports that this missense variant has a deleterious effect on protein structure/function; Has not been previously published as pathogenic or benign to our knowledge

Labcorp Genetics (formerly Invitae), Labcorp
Classification: Uncertain significance for Distal myopathy with posterior leg and anterior hand involvement; Myofibrillar myopathy 5; Hypertrophic cardiomyopathy 26. Last evaluated: 2023-10-10. Review status: criteria provided, single submitter. Criteria: Invitae Variant Classification Sherloc (09022015). Collection method: clinical testing. Allele origin: germline.
Comment: This sequence change replaces proline, which is neutral and non-polar, with serine, which is neutral and polar, at codon 635 of the FLNC protein (p.Pro635Ser). This variant is present in population databases (no rsID available, gnomAD 0.0009%). This variant has not been reported in the literature in individuals affected with FLNC-related conditions. ClinVar contains an entry for this variant (Variation ID: 2147268). Advanced modeling of protein sequence and biophysical properties (such as structural, functional, and spatial information, amino acid conservation, physicochemical variation, residue mobility, and thermodynamic stability) has been performed at Invitae for this missense variant, however the output from this modeling did not meet the statistical confidence thresholds required to predict the impact of this variant on FLNC protein function. In summary, the available evidence is currently insufficient to determine the role of this variant in disease. Therefore, it has been classified as a Variant of Uncertain Significance.

Ambry Genetics
Classification: Uncertain significance for Cardiovascular phenotype. Last evaluated: 2022-06-06. Review status: criteria provided, single submitter. Criteria: Ambry Variant Classification Scheme 2023. Collection method: clinical testing. Allele origin: germline.